The following is an entry in ClinVar:

NM_014045.5(LRP10):c.1176T>C (p.Asp392=)

Gene: LRP10 (LDL receptor related protein 10; plus strand). Cytogenetic location: 14q11.2.
Variant type: single nucleotide variant.
Coding change: c.1176T>C on transcript NM_014045.5 (MANE Select); coding-DNA position 1176, T replaced by C.
Protein change: p.Asp392=; no amino-acid change (aspartic acid 392 retained).
Molecular consequence: synonymous variant.
Genome position (GRCh38, 1-based): chr14:22,876,124, T>C. VCF-style: chr14-22876124-T-C. GRCh37 (hg19) VCF-style: chr14-23345333-T-C.
Other names: p.Asp392=; c.1176T>C, p.Asp392= (NM_001329226.2).
Identifiers: ClinVar variation 2644082 (VCV002644082.25), dbSNP rs144403539, ClinGen allele CA7105868.

ClinVar aggregate classification (germline): Likely benign. Review status: criteria provided, multiple submitters, no conflicts (2 of 4 stars). 2 submissions from 2 submitters: Likely benign (2). Last evaluated 2025-05-22.

Allele frequency attached by ClinVar (database versions not stated): 1000 Genomes Project 30x 0.00016; 1000 Genomes Project 0.00020; ExAC 0.00023; TOPMed 0.00068; gnomAD 0.00074; ESP Exome Variant Server 0.00092.
gnomAD v4.1: 203 of 1,614,168 alleles (0.013%); highest among the groups gnomAD compares: African/African-American, 0.25%; 1 homozygote.

Submissions (2):

Mayo Clinic Laboratories, Mayo Clinic
Classification: Likely benign. Last evaluated: 2025-05-22. Review status: criteria provided, single submitter. Criteria: ACMG Guidelines, 2015. Collection method: clinical testing. Allele origin: germline. Observed: 1 variant allele.
Comment: BP4, BP7

CeGaT Center for Human Genetics Tuebingen
Classification: Likely benign. Last evaluated: 2022-08-01. Review status: criteria provided, single submitter. Criteria: CeGaT Center For Human Genetics Tuebingen Variant Classification Criteria Version 2. Collection method: clinical testing. Allele origin: germline. Affected: yes. Observed: 1 variant allele.
Comment: LRP10: BP4, BP7